The following is an entry in ClinVar:

NM_197968.4(ZMYM2):c.1009C>A (p.Pro337Thr)

Gene: ZMYM2 (zinc finger MYM-type containing 2; plus strand). Cytogenetic location: 13q12.11.
Variant type: single nucleotide variant.
Coding change: c.1009C>A on transcript NM_197968.4 (MANE Select); coding-DNA position 1009, C replaced by A.
Protein change: p.Pro337Thr; replaces proline 337 with threonine.
Molecular consequence: missense variant. On other transcripts: non-coding transcript variant (1).
Genome position (GRCh38, 1-based): chr13:20,003,011, C>A. VCF-style: chr13-20003011-C-A. GRCh37 (hg19) VCF-style: chr13-20577151-C-A.
Other names: c.814C>A, p.Pro272Thr (NM_001353161.3); c.1009C>A, p.Pro337Thr (NM_001353162.3, NM_001353164.2, NM_001353165.2 and 5 more transcripts); c.748C>A, p.Pro250Thr (NM_001353163.2); c.1009C>A (NM_003453.3); short protein forms P250T, P272T, P337T.
Identifiers: ClinVar variation 1804385 (VCV001804385.2), dbSNP rs748814883, ClinGen allele CA387669661.

ClinVar aggregate classification (germline): Uncertain significance. Review status: criteria provided, multiple submitters, no conflicts (2 of 4 stars). 2 submissions from 2 submitters: Uncertain significance (2). Last evaluated 2025-01-17.

Conditions:
Inborn genetic diseases. Identifiers: MedGen C0950123, MeSH D030342.

Allele frequency attached by ClinVar (database versions not stated): gnomAD 0.00001.
gnomAD v4.1: 2 of 1,614,048 alleles (0.00012%); highest among the groups gnomAD compares: African/African-American, 0.0013%; no homozygotes.

Submissions (2):

Ambry Genetics
Classification: Uncertain significance for Inborn genetic diseases. Last evaluated: 2025-01-17. Review status: criteria provided, single submitter. Criteria: Ambry Variant Classification Scheme 2023. Collection method: clinical testing. Allele origin: germline.

GeneDx
Classification: Uncertain significance. Last evaluated: 2022-06-16. Review status: criteria provided, single submitter. Criteria: GeneDx Variant Classification Process June 2021. Collection method: clinical testing. Allele origin: germline. Affected: yes.
Comment: Not observed at significant frequency in large population cohorts (gnomAD); In silico analysis supports that this missense variant has a deleterious effect on protein structure/function; Has not been previously published as pathogenic or benign to our knowledge